The following is an entry in ClinVar:

ClinVar aggregate classification (germline): Uncertain significance. Review status: criteria provided, multiple submitters, no conflicts (2 of 4 stars). 6 submissions from 6 submitters: Uncertain significance (6). Last evaluated 2025-10-22.

Conditions:
Hereditary cancer-predisposing syndrome. Also called: Hereditary Cancer Syndrome; Hereditary neoplastic syndrome; Neoplastic Syndromes, Hereditary; Tumor predisposition. Identifiers: Orphanet 140162, MedGen C0027672, MeSH D009386, MONDO:0015356.
Familial cancer of breast. Also called: BREAST CANCER, FAMILIAL; Hereditary breast cancer; hereditary breast carcinoma. Identifiers: Orphanet 227535, MedGen C0346153, MONDO:0016419, OMIM 114480. Disease mechanism: loss of function.
Hereditary breast ovarian cancer syndrome. Also called: Hereditary breast and ovarian cancer; Breast and ovarian cancer; Hereditary breast and ovarian cancer syndrome; Hereditary breast and/or ovarian cancer syndrome; BRCA1- and BRCA2-Associated Hereditary Breast and Ovarian Cancer; Hereditary breast and ovarian cancer syndrome (HBOC). Identifiers: Orphanet 145, MedGen C0677776, MeSH D061325, MONDO:0003582. Disease mechanism: loss of function.

Allele frequency attached by ClinVar (database versions not stated): gnomAD exomes below 0.00001 and 0.00001; ExAC 0.00001.
gnomAD v4.1: 3 of 1,613,992 alleles (0.00019%); highest among the groups gnomAD compares: Admixed American, 0.005%; no homozygotes.

Submissions (6):

Ambry Genetics
Classification: Uncertain significance for Hereditary cancer-predisposing syndrome. Last evaluated: 2025-10-22. Review status: criteria provided, single submitter. Criteria: Ambry Variant Classification Scheme 2023. Collection method: clinical testing. Allele origin: germline.
Comment: The p.L61V variant (also known as c.181C>G), located in coding exon 2 of the BRCA2 gene, results from a C to G substitution at nucleotide position 181. The leucine at codon 61 is replaced by valine, an amino acid with highly similar properties. This amino acid position is poorly conserved in available vertebrate species. In addition, this alteration is predicted to be tolerated by in silico analysis. Since supporting evidence is limited at this time, the clinical significance of this alteration remains unclear.

Labcorp Genetics (formerly Invitae), Labcorp
Classification: Uncertain significance for Hereditary breast ovarian cancer syndrome. Last evaluated: 2025-08-13. Review status: criteria provided, single submitter. Criteria: Invitae Variant Classification Sherloc (09022015). Collection method: clinical testing. Allele origin: germline.
Comment: This sequence change replaces leucine, which is neutral and non-polar, with valine, which is neutral and non-polar, at codon 61 of the BRCA2 protein (p.Leu61Val). This variant is present in population databases (rs771011731, gnomAD 0.009%). This variant has not been reported in the literature in individuals affected with BRCA2-related conditions. ClinVar contains an entry for this variant (Variation ID: 441291). Invitae Evidence Modeling of protein sequence and biophysical properties (such as structural, functional, and spatial information, amino acid conservation, physicochemical variation, residue mobility, and thermodynamic stability) indicates that this missense variant is not expected to disrupt BRCA2 protein function with a negative predictive value of 95%. RNA analysis performed to evaluate the impact of this missense change on mRNA splicing indicates it does not significantly alter splicing (internal data). In summary, the available evidence is currently insufficient to determine the role of this variant in disease. Therefore, it has been classified as a Variant of Uncertain Significance.

Quest Diagnostics Nichols Institute San Juan Capistrano
Classification: Uncertain significance. Last evaluated: 2025-05-02. Review status: criteria provided, single submitter. Criteria: Quest Diagnostics criteria. Collection method: clinical testing. Allele origin: unknown.
Comment: The BRCA2 c.181C>G (p.Leu61Val) variant has been identified in a non-cancer cohort (PMID: 30630528 (2019)). The frequency of this variant in the general population (Genome Aggregation Database) is uninformative in the assessment of its pathogenicity. Analysis of this variant using bioinformatics tools for the prediction of the effect of amino acid changes on protein structure and function yielded predictions that this variant is benign. Based on the available information, we are unable to determine the clinical significance of this variant.

Baylor Genetics
Classification: Uncertain significance for Familial cancer of breast. Last evaluated: 2023-09-03. Review status: criteria provided, single submitter. Criteria: ACMG Guidelines, 2015. Collection method: clinical testing. Allele origin: unknown.

Women's Health and Genetics/Laboratory Corporation of America, LabCorp
Classification: Uncertain significance. Last evaluated: 2022-08-14. Review status: criteria provided, single submitter. Criteria: LabCorp Variant Classification Summary - May 2015. Collection method: clinical testing. Allele origin: germline.

Sema4
Classification: Uncertain significance for Hereditary cancer-predisposing syndrome. Last evaluated: 2021-11-25. Review status: criteria provided, single submitter. Criteria: Sema4 Curation Guidelines. Collection method: curation. Allele origin: germline.
Comment: The BRCA2 c.181C>G (p.L61V) variant has not been reported in the literature to our knowledge. It was observed in 3/34590 chromosomes of the Latino subpopulation in the large and broad cohorts of the Genome Aggregation Database (PMID: 32461654). The variant has been reported in ClinVar (Variation ID: 441291). Functional studies have not been performed, and in silico predictions of the variant's effect on protein function are inconclusive. The evidence is insufficient to meet ACMG/AMP criteria for classifying the variant as benign or pathogenic. Thus, the clinical significance of this variant is currently uncertain.

Literature cited by the submitters: PubMed 30630528 (cited by Quest Diagnostics Nichols Institute San Juan Capistrano).

NM_000059.4(BRCA2):c.181C>G (p.Leu61Val)

Gene: BRCA2 (BRCA2 DNA repair associated; plus strand). Cytogenetic location: 13q13.1.
Variant type: single nucleotide variant.
Coding change: c.181C>G on transcript NM_000059.4 (MANE Select); coding-DNA position 181, C replaced by G.
Protein change: p.Leu61Val; replaces leucine 61 with valine.
Molecular consequence: missense variant.
Genome position (GRCh38, 1-based): chr13:32,319,190, C>G. VCF-style: chr13-32319190-C-G. GRCh37 (hg19) VCF-style: chr13-32893327-C-G.
Other names: short protein forms L61V.
Identifiers: ClinVar variation 441291 (VCV000441291.22), dbSNP rs771011731, ClinGen allele CA6940329.
Genomic context (GRCh38, chr13:32,319,190, plus strand): 5'-CCCTATAATTCTGAACCTGCAGAAGAATCTGAACATAAAAACAACAATTACGAACCAAAC[C>G]TATTTAAAACTCCACAAAGGAAACCATCTTATAATCAGCTGGCTTCAACTCCAATAATAT-3'
Protein context (NP_000050.3, residues 51-71): EHKNNNYEPN[Leu61Val]FKTPQRKPSY